The following is an entry in ClinVar:

NM_173602.3(DIP2B):c.4094_4101+14del

Gene: DIP2B (DIP2 acetate--CoA ligase B (putative); plus strand). Cytogenetic location: 12q13.12.
Variant type: Deletion.
Coding change: c.4094_4101+14del on transcript NM_173602.3 (MANE Select); coding-DNA position 4094 through 14 bases into the intron after coding-DNA position 4101, 22 bases deleted (CTGGAAAGGTAATTTGTTCTGT).
Molecular consequence: splice donor variant.
Genome position (GRCh38, 1-based): chr12:50,735,123-50,735,144, CTGGAAAGGTAATTTGTTCTGT deleted; deleting any 22 consecutive bases within chr12:50,735,121-50,735,144 gives the same sequence; the c. name uses the placement nearest the transcript's 3' end. VCF-style (leftmost placement, unchanged base first): chr12-50735120-AGTCTGGAAAGGTAATTTGTTCT-A. GRCh37 (hg19) VCF-style: chr12-51128903-AGTCTGGAAAGGTAATTTGTTCT-A.
Other names: c.4093_4101+13del (NM_173602.3).
Identifiers: ClinVar variation 4820108 (VCV004820108.1).

ClinVar aggregate classification (germline): Pathogenic (1 of 4 stars; one submission).

Conditions:
DIP2B-related neurodevelopmental disorder.

Submission:

Schrauwen Lab, The University of Arizona College of Medicine Phoenix
Classification: Pathogenic for DIP2B-related neurodevelopmental disorder. Last evaluated: 2026-04-09. Review status: criteria provided, single submitter. Criteria: ACMG Guidelines, 2015. Collection method: research. Allele origin: de novo. Affected: yes.
Comment: Very low frequency in population databases, predicted protein truncating nonsense mediated decay, leading to neurodevelopmental disorder, confirmed de novo heterozygous, found via whole exome and genome sequencing